The following is an entry in ClinVar:

NM_000258.3(MYL3):c.130-14G>T

Gene: MYL3 (myosin light chain 3; minus strand). Cytogenetic location: 3p21.31.
Variant type: single nucleotide variant.
Coding change: c.130-14G>T on transcript NM_000258.3 (MANE Select); 14 bases into the intron before coding-DNA position 130, G replaced by T.
Molecular consequence: intron variant.
Genome position (GRCh38, 1-based): chr3:46,861,001, C>A on the plus strand (G>T on the coding strand, the complement: MYL3 is on the minus strand). VCF-style: chr3-46861001-C-A. GRCh37 (hg19) VCF-style: chr3-46902491-C-A.
Identifiers: ClinVar variation 43119 (VCV000043119.35), dbSNP rs192329378, ClinGen allele CA013537.

ClinVar aggregate classification (germline): Benign/Likely benign. Review status: criteria provided, multiple submitters, no conflicts (2 of 4 stars). 15 submissions from 15 submitters: Benign (8); Likely benign (4). 3 of the submissions do not count toward it. Last evaluated 2026-02-03.

Conditions:
Cardiomyopathy (CMYO). Also called: Cardiomyopathies. Identifiers: Orphanet 167848, MedGen C0878544, MONDO:0004994, HP:0001638. Inheritance: Various modes of inheritance.
Hypertrophic cardiomyopathy 8. Also called: CARDIOMYOPATHY, HYPERTROPHIC, MID-LEFT VENTRICULAR CHAMBER TYPE, 1; MYL3-Related Familial Hypertrophic Cardiomyopathy. Identifiers: MedGen C1837471, MONDO:0012111, OMIM 608751.
Hypertrophic cardiomyopathy. Also called: HYPERTROPHIC MYOCARDIOPATHY. Identifiers: Orphanet 217569, MedGen C0007194, MeSH D002312, MONDO:0005045, HP:0001639.

Allele frequency attached by ClinVar (database versions not stated): 1000 Genomes Project 30x 0.00078; 1000 Genomes Project 0.00100; ExAC 0.00153; gnomAD exomes 0.00161 and 0.00253; gnomAD 0.00197 and 0.00198; TOPMed 0.00199; ESP Exome Variant Server 0.00254.
gnomAD v4.1: 3,982 of 1,613,968 alleles (0.25%); highest among the groups gnomAD compares: Admixed American, 0.3%; 4 homozygotes.

Submissions (15):

Labcorp Genetics (formerly Invitae), Labcorp
Classification: Benign for Hypertrophic cardiomyopathy. Last evaluated: 2026-02-03. Review status: criteria provided, single submitter. Criteria: Invitae Variant Classification Sherloc (09022015). Collection method: clinical testing. Allele origin: germline.

Blueprint Genetics
Classification: Likely benign. Last evaluated: 2024-11-13. Review status: criteria provided, single submitter. Criteria: ACMG Guidelines, 2015. Collection method: clinical testing. Allele origin: germline.

All of Us Research Program, National Institutes of Health
Classification: Benign for Hypertrophic cardiomyopathy. Last evaluated: 2024-02-05. Review status: criteria provided, single submitter. Criteria: ACMG Guidelines, 2015. Collection method: clinical testing. Allele origin: germline. Inheritance: Autosomal dominant inheritance. Observed: 450 variant alleles, 449 heterozygotes, 1 homozygote.
Comment: This study involves interpretation of variants in research participants for the purpose of population health screening. Participant phenotype was not available at the time of variant classification. Additional details can be found in publication PMID: 35346344, PMCID: PMC8962531

Fulgent Genetics
Classification: Benign for Hypertrophic cardiomyopathy 8. Last evaluated: 2022-02-17. Review status: criteria provided, single submitter. Criteria: ACMG Guidelines, 2015. Collection method: clinical testing. Allele origin: unknown.

ARUP Laboratories, Molecular Genetics and Genomics, ARUP Laboratories
Classification: Likely benign for Hypertrophic cardiomyopathy 8. Last evaluated: 2019-05-02. Review status: criteria provided, single submitter. Criteria: ARUP Molecular Germline Variant Investigation Process. Collection method: clinical testing. Allele origin: germline.

Illumina Laboratory Services, Illumina
Classification: Benign for Hypertrophic cardiomyopathy 8. Last evaluated: 2018-09-13. Review status: criteria provided, single submitter. Criteria: ICSL Variant Classification Criteria 13 December 2019. Collection method: clinical testing. Allele origin: germline.
Comment: This variant was observed as part of a predisposition screen in an ostensibly healthy population. A literature search was performed for the gene, cDNA change, and amino acid change (where applicable). No publications were found based on this search. Allele frequency data from public databases was too high to be consistent with this variant causing disease. Therefore, this variant is classified as benign.

Color Diagnostics, LLC DBA Color Health
Classification: Benign for Cardiomyopathy. Last evaluated: 2018-03-29. Review status: criteria provided, single submitter. Criteria: ACMG Guidelines, 2015. Collection method: clinical testing. Allele origin: germline.

Clinical Genetics DNA and cytogenetics Diagnostics Lab, Erasmus MC, Erasmus Medical Center
Classification: Benign for Hypertrophic cardiomyopathy 8. Last evaluated: 2015-09-21. Review status: criteria provided, single submitter. Criteria: ACGS Guidelines, 2013. Collection method: clinical testing. Allele origin: germline. Affected: yes. Study: VKGL Data-share Consensus.

GeneDx
Classification: Benign. Last evaluated: 2015-03-03. Review status: criteria provided, single submitter. Criteria: GeneDx Variant Classification Process June 2021. Collection method: clinical testing. Allele origin: germline. Affected: yes.

Genome Diagnostics Laboratory, University Medical Center Utrecht
Classification: Benign for Hypertrophic cardiomyopathy 8. Last evaluated: 2014-10-09. Review status: criteria provided, single submitter. Criteria: ACGS Guidelines, 2013. Collection method: clinical testing. Allele origin: germline. Affected: yes. Study: VKGL Data-share Consensus.

Laboratory for Molecular Medicine, Mass General Brigham Personalized Medicine
Classification: Likely benign. Last evaluated: 2012-08-07. Review status: criteria provided, single submitter. Criteria: LMM Criteria. Collection method: clinical testing. Allele origin: germline. Observed: 5 variant alleles.
Comment: 130-14G>T in intron 01 of MYL3: This variant is not expected to have clinical si gnificance because it has been identified in 0.4% (31/7020) of European American chromosomes from a broad population by the NHLBI Exome Sequencing Project. 130-14G>T in intron 01 of MYL3 (allele frequenc y = 0.4%, 31/7020) **

Breakthrough Genomics
Classification: Likely benign. Review status: criteria provided, single submitter. Criteria: ACMG Guidelines, 2015. Collection method: not provided. Allele origin: germline. Inheritance: Autosomal dominant inheritance. Affected: yes.

Clinical Genetics, Academic Medical Center
Classification: Benign. Review status: no assertion criteria provided. Collection method: clinical testing. Allele origin: germline. Affected: yes. Study: VKGL Data-share Consensus. Not counted in ClinVar's aggregate classification.

Diagnostic Laboratory, Department of Genetics, University Medical Center Groningen
Classification: Likely benign for Hypertrophic cardiomyopathy 8. Review status: no assertion criteria provided. Collection method: clinical testing. Allele origin: germline. Affected: yes. Study: VKGL Data-share Consensus. Not counted in ClinVar's aggregate classification.

Joint Genome Diagnostic Labs from Nijmegen and Maastricht, Radboudumc and MUMC+
Classification: Likely benign. Review status: no assertion criteria provided. Collection method: clinical testing. Allele origin: germline. Affected: yes. Study: VKGL Data-share Consensus. Not counted in ClinVar's aggregate classification.